The following is an entry in ClinVar:

ClinVar aggregate classification (germline): Uncertain significance (1 of 4 stars; one submission).

Conditions:
Anauxetic dysplasia. Identifiers: Orphanet 93347, MedGen C1846796, MONDO:0011773.

Submission:

Labcorp Genetics (formerly Invitae), Labcorp
Classification: Uncertain significance for Anauxetic dysplasia. Last evaluated: 2021-08-31. Review status: criteria provided, single submitter. Criteria: Invitae Variant Classification Sherloc (09022015). Collection method: clinical testing. Allele origin: germline.
Comment: This variant occurs in the RMRP gene, which encodes an RNA molecule that does not result in a protein product. The frequency data for this variant in the population databases is considered unreliable, as metrics indicate insufficient coverage at this position in the ExAC database. This variant has not been reported in the literature in individuals affected with RMRP-related conditions. Experimental studies and prediction algorithms are not available or were not evaluated, and the functional significance of this variant is currently unknown. In summary, the available evidence is currently insufficient to determine the role of this variant in disease. Therefore, it has been classified as a Variant of Uncertain Significance.

NC_000009.12:g.35657970A>T

Gene: RMRP (RNA component of mitochondrial RNA processing endoribonuclease; minus strand). Cytogenetic location: 9p13.3.
Variant type: single nucleotide variant.
Genome position: GRCh38 VCF-style: chr9-35657970-A-T. GRCh37 (hg19) VCF-style: chr9-35657967-A-T.
Identifiers: ClinVar variation 1015258 (VCV001015258.6), dbSNP rs890235700, ClinGen allele CA464450960.